The following is an entry in ClinVar:

ClinVar aggregate classification (germline): Uncertain significance (1 of 4 stars; one submission).

Allele frequency attached by ClinVar (database versions not stated): gnomAD exomes below 0.00001.
gnomAD v4.1: 1 of 1,613,916 alleles (0.000062%); highest among the groups gnomAD compares: Non-Finnish European, 0.000085%; no homozygotes.

Submission:

Labcorp Genetics (formerly Invitae), Labcorp
Classification: Uncertain significance. Last evaluated: 2022-03-20. Review status: criteria provided, single submitter. Criteria: Invitae Variant Classification Sherloc (09022015). Collection method: clinical testing. Allele origin: germline.
Comment: This sequence change replaces isoleucine, which is neutral and non-polar, with valine, which is neutral and non-polar, at codon 421 of the DHX38 protein (p.Ile421Val). This variant is not present in population databases (gnomAD no frequency). This variant has not been reported in the literature in individuals affected with DHX38-related conditions. Algorithms developed to predict the effect of missense changes on protein structure and function are either unavailable or do not agree on the potential impact of this missense change (SIFT: "Deleterious"; PolyPhen-2: "Benign"; Align-GVGD: "Class C25"). In summary, the available evidence is currently insufficient to determine the role of this variant in disease. Therefore, it has been classified as a Variant of Uncertain Significance.

NM_014003.4(DHX38):c.1261A>G (p.Ile421Val)

Gene: DHX38 (DEAH-box helicase 38; plus strand). Cytogenetic location: 16q22.2.
Variant type: single nucleotide variant.
Coding change: c.1261A>G on transcript NM_014003.4 (MANE Select); coding-DNA position 1261, A replaced by G.
Protein change: p.Ile421Val; replaces isoleucine 421 with valine.
Molecular consequence: missense variant.
Genome position (GRCh38, 1-based): chr16:72,100,580, A>G. VCF-style: chr16-72100580-A-G. GRCh37 (hg19) VCF-style: chr16-72134479-A-G.
Other names: short protein forms I421V.
Identifiers: ClinVar variation 2115451 (VCV002115451.4), dbSNP rs2507094095, ClinGen allele CA396705526.